The following is an entry in ClinVar:

ClinVar aggregate classification (germline): Uncertain significance. Review status: criteria provided, multiple submitters, no conflicts (2 of 4 stars). 6 submissions from 6 submitters: Uncertain significance (6). Last evaluated 2026-01-06.

Conditions:
Cardiovascular phenotype. Identifiers: MedGen CN230736.
Hypertrophic cardiomyopathy 17. Identifiers: MedGen C3151264, MONDO:0013474, OMIM 613873.
Hypertrophic cardiomyopathy. Also called: HYPERTROPHIC MYOCARDIOPATHY. Identifiers: Orphanet 217569, MedGen C0007194, MeSH D002312, MONDO:0005045, HP:0001639.
Cardiomyopathy, dilated, 2E. Identifiers: MedGen C5561970, MONDO:0030366, OMIM 619492.
JPH2-related disorder. Also called: JPH2-related condition.

Allele frequency attached by ClinVar (database versions not stated): gnomAD exomes 0.00001 and 0.00006; TOPMed 0.00002; ESP Exome Variant Server 0.00008.
gnomAD v4.1: 80 of 1,613,438 alleles (0.005%); highest among the groups gnomAD compares: Non-Finnish European, 0.0066%; no homozygotes.

Submissions (6):

Labcorp Genetics (formerly Invitae), Labcorp
Classification: Uncertain significance for Hypertrophic cardiomyopathy. Last evaluated: 2026-01-06. Review status: criteria provided, single submitter. Criteria: Invitae Variant Classification Sherloc (09022015). Collection method: clinical testing. Allele origin: germline.
Comment: This sequence change replaces asparagine, which is neutral and polar, with serine, which is neutral and polar, at codon 321 of the JPH2 protein (p.Asn321Ser). This variant is present in population databases (rs373731005, gnomAD 0.002%). This variant has not been reported in the literature in individuals affected with JPH2-related conditions. ClinVar contains an entry for this variant (Variation ID: 1405421). An algorithm developed to predict the effect of missense changes on protein structure and function (PolyPhen-2) suggests that this variant is likely to be disruptive. In summary, the available evidence is currently insufficient to determine the role of this variant in disease. Therefore, it has been classified as a Variant of Uncertain Significance.

PreventionGenetics, part of Exact Sciences
Classification: Uncertain significance for JPH2-related condition. Last evaluated: 2025-08-25. Review status: criteria provided, single submitter. Criteria: ACMG Guidelines, 2015. Collection method: clinical testing. Allele origin: germline.
Comment: The JPH2 c.962A>G variant is predicted to result in the amino acid substitution p.Asn321Ser. To our knowledge, this variant has not been reported in the literature. This variant is reported in 0.0018% of alleles in individuals of European (Non-Finnish) descent in gnomAD. At this time, the clinical significance of this variant is uncertain due to the absence of conclusive functional and genetic evidence.

Ambry Genetics
Classification: Uncertain significance for Cardiovascular phenotype. Last evaluated: 2025-02-18. Review status: criteria provided, single submitter. Criteria: Ambry Variant Classification Scheme 2023. Collection method: clinical testing. Allele origin: germline.
Comment: The p.N321S variant (also known as c.962A>G), located in coding exon 2 of the JPH2 gene, results from an A to G substitution at nucleotide position 962. The asparagine at codon 321 is replaced by serine, an amino acid with highly similar properties. This amino acid position is highly conserved in available vertebrate species. In addition, this alteration is predicted to be tolerated by in silico analysis. Since supporting evidence is limited at this time, the clinical significance of this alteration remains unclear.

Mayo Clinic Laboratories, Mayo Clinic
Classification: Uncertain significance. Last evaluated: 2024-03-12. Review status: criteria provided, single submitter. Criteria: ACMG Guidelines, 2015. Collection method: clinical testing. Allele origin: germline. Observed: 1 variant allele.

Baylor Genetics
Classification: Uncertain significance for Hypertrophic cardiomyopathy 17. Last evaluated: 2022-10-13. Review status: criteria provided, single submitter. Criteria: ACMG Guidelines, 2015. Collection method: clinical testing. Allele origin: unknown.

Fulgent Genetics
Classification: Uncertain significance for Hypertrophic cardiomyopathy 17; Cardiomyopathy, dilated, 2E. Last evaluated: 2021-10-08. Review status: criteria provided, single submitter. Criteria: ACMG Guidelines, 2015. Collection method: clinical testing. Allele origin: unknown.

NM_020433.5(JPH2):c.962A>G (p.Asn321Ser)

Gene: JPH2 (junctophilin 2; minus strand). Cytogenetic location: 20q13.12.
Variant type: single nucleotide variant.
Coding change: c.962A>G on transcript NM_020433.5 (MANE Select); coding-DNA position 962, A replaced by G.
Protein change: p.Asn321Ser; replaces asparagine 321 with serine.
Molecular consequence: missense variant.
Genome position (GRCh38, 1-based): chr20:44,159,825, T>C on the plus strand (A>G on the coding strand, the complement: JPH2 is on the minus strand). VCF-style: chr20-44159825-T-C. GRCh37 (hg19) VCF-style: chr20-42788465-T-C.
Other names: p.Asn321Ser; short protein forms N321S.
Identifiers: ClinVar variation 1405421 (VCV001405421.14), dbSNP rs373731005, ClinGen allele CA314629273.